The following is an entry in ClinVar:

NM_001110556.2(FLNA):c.2023-6_2023-5insA

Gene: FLNA (filamin A; minus strand). Cytogenetic location: Xq28.
Variant type: Insertion.
Coding change: c.2023-6_2023-5insA on transcript NM_001110556.2 (MANE Select); 6 bases into the intron before coding-DNA position 2023 through 5 bases into the intron before coding-DNA position 2023, A inserted.
Molecular consequence: intron variant.
Genome position: GRCh38 VCF-style: chrX-154364377-C-CT. GRCh37 (hg19) VCF-style: chrX-153592745-C-CT.
Other names: c.2023-6_2023-5insA (NM_001456.4).
Identifiers: ClinVar variation 451674 (VCV000451674.2), dbSNP rs1557178694, ClinGen allele CA658659066.

ClinVar aggregate classification (germline): Likely pathogenic (1 of 4 stars; one submission).

Submission:

GeneDx
Classification: Likely pathogenic. Last evaluated: 2017-10-05. Review status: criteria provided, single submitter. Criteria: GeneDx Variant Classification (06012015). Collection method: clinical testing. Allele origin: germline. Affected: yes.
Comment: The c.2023-6_2023-5insA variant has not been published as pathogenic or reported as benign to our knowledge. This variant results in a single nucleotide insertion upstream of the native splice acceptor site in intron 13 and may result in aberrant splicing. In silico analysis predicts this variant destroys the native splice acceptor site. In addition, insertion of adenosine (A) creates a new potential splice acceptor site four nucleotides upstream of the native site. However, in the absence of functional mRNA studies, the physiological consequence of this variant cannot be precisely determined. Other splicing variants in the FLNA gene have been reported in HGMD in association with FLNA-related disorders and loss of function is an established mechanism of disease for this gene (Stenson et al., 2014). Lastly, the c.2023-6_2023-5insA variant is not observed in large population cohorts (Lek et al., 2016; 1000 Genomes Consortium et al., 2015; Exome Variant Server).